The following is an entry in ClinVar:

NM_015559.3(SETBP1):c.1805A>G (p.His602Arg)

Gene: SETBP1 (SET binding protein 1; plus strand). Cytogenetic location: 18q12.3.
Variant type: single nucleotide variant.
Coding change: c.1805A>G on transcript NM_015559.3 (MANE Select); coding-DNA position 1805, A replaced by G.
Protein change: p.His602Arg; replaces histidine 602 with arginine.
Molecular consequence: missense variant.
Genome position (GRCh38, 1-based): chr18:44,951,145, A>G. VCF-style: chr18-44951145-A-G. GRCh37 (hg19) VCF-style: chr18-42531110-A-G.
Other names: c.1805A>G, p.His602Arg (NM_001379141.1, NM_001379142.1); short protein forms H602R.
Identifiers: ClinVar variation 1488853 (VCV001488853.6), dbSNP rs2145100692, ClinGen allele CA402319534.

ClinVar aggregate classification (germline): Uncertain significance (1 of 4 stars; one submission).

Submission:

Labcorp Genetics (formerly Invitae), Labcorp
Classification: Uncertain significance. Last evaluated: 2023-07-25. Review status: criteria provided, single submitter. Criteria: Invitae Variant Classification Sherloc (09022015). Collection method: clinical testing. Allele origin: germline.
Comment: In summary, the available evidence is currently insufficient to determine the role of this variant in disease. Therefore, it has been classified as a Variant of Uncertain Significance. Advanced modeling of protein sequence and biophysical properties (such as structural, functional, and spatial information, amino acid conservation, physicochemical variation, residue mobility, and thermodynamic stability) performed at Invitae indicates that this missense variant is expected to disrupt SETBP1 protein function. ClinVar contains an entry for this variant (Variation ID: 1488853). This variant has not been reported in the literature in individuals affected with SETBP1-related conditions. This variant is not present in population databases (gnomAD no frequency). This sequence change replaces histidine, which is basic and polar, with arginine, which is basic and polar, at codon 602 of the SETBP1 protein (p.His602Arg).